The following is an entry in ClinVar:

ClinVar aggregate classification (germline): Uncertain significance (1 of 4 stars; one submission).

gnomAD v4.1: 24 of 1,613,646 alleles (0.0015%); highest among the groups gnomAD compares: Non-Finnish European, 0.0016%; no homozygotes.

Submission:

Labcorp Genetics (formerly Invitae), Labcorp
Classification: Uncertain significance. Last evaluated: 2025-04-03. Review status: criteria provided, single submitter. Criteria: Invitae Variant Classification Sherloc (09022015). Collection method: clinical testing. Allele origin: germline.
Comment: This sequence change replaces arginine, which is basic and polar, with tryptophan, which is neutral and slightly polar, at codon 62 of the SLC44A4 protein (p.Arg62Trp). This variant is present in population databases (rs747078670, gnomAD 0.002%). This variant has not been reported in the literature in individuals affected with SLC44A4-related conditions. Invitae Evidence Modeling of protein sequence and biophysical properties (such as structural, functional, and spatial information, amino acid conservation, physicochemical variation, residue mobility, and thermodynamic stability) indicates that this missense variant is expected to disrupt SLC44A4 protein function with a positive predictive value of 80%. In summary, the available evidence is currently insufficient to determine the role of this variant in disease. Therefore, it has been classified as a Variant of Uncertain Significance.

NM_025257.3(SLC44A4):c.184C>T (p.Arg62Trp)

Gene: SLC44A4 (solute carrier family 44 member 4; minus strand). Cytogenetic location: 6p21.33.
Variant type: single nucleotide variant.
Coding change: c.184C>T on transcript NM_025257.3 (MANE Select); coding-DNA position 184, C replaced by T.
Protein change: p.Arg62Trp; replaces arginine 62 with tryptophan.
Molecular consequence: missense variant. On other transcripts: 5 prime UTR variant (1).
Genome position (GRCh38, 1-based): chr6:31,875,910, G>A on the plus strand (C>T on the coding strand, the complement: SLC44A4 is on the minus strand). VCF-style: chr6-31875910-G-A. GRCh37 (hg19) VCF-style: chr6-31843687-G-A.
Other names: c.184C>T, p.Arg62Trp (NM_001178044.2); c.-45C>T (NM_001178045.2); short protein forms R62W.
Identifiers: ClinVar variation 4752895 (VCV004752895.1).